The following is an entry in ClinVar:

ClinVar aggregate classification (germline): Likely pathogenic (1 of 4 stars; one submission).

Conditions:
Supravalvar aortic stenosis (SVAS). Also called: Supravalvar aortic stenosis, Eisenberg type. Identifiers: Orphanet 3193, MedGen C0003499, MONDO:0008504, OMIM 185500, HP:0004381.

gnomAD v4.1: 3 of 1,590,144 alleles (0.00019%); highest among the groups gnomAD compares: Non-Finnish European, 0.00026%; no homozygotes.

Submission:

Labcorp Genetics (formerly Invitae), Labcorp
Classification: Likely pathogenic for Supravalvar aortic stenosis. Last evaluated: 2022-05-16. Review status: criteria provided, single submitter. Criteria: Invitae Variant Classification Sherloc (09022015). Collection method: clinical testing. Allele origin: germline.
Comment: In summary, the currently available evidence indicates that the variant is pathogenic, but additional data are needed to prove that conclusively. Therefore, this variant has been classified as Likely Pathogenic. This variant has not been reported in the literature in individuals affected with ELN-related conditions. This variant is not present in population databases (gnomAD no frequency). This sequence change affects a donor splice site in intron 26 of the ELN gene. It is expected to disrupt RNA splicing. Variants that disrupt the donor or acceptor splice site typically lead to a loss of protein function (PMID: 16199547), and loss-of-function variants in ELN are known to be pathogenic (PMID: 11175284).

Literature cited by the submitters: PubMed 16199547; PubMed 11175284.

NM_000501.4(ELN):c.1747+100G>C

Genes: ELN (elastin; plus strand), ELN-AS1 (ELN antisense RNA 1; minus strand). Cytogenetic location: 7q11.23.
Variant type: single nucleotide variant.
Coding change: c.1747+100G>C on transcript NM_000501.4 (MANE Select); 100 bases into the intron after coding-DNA position 1747, G replaced by C.
Molecular consequence: intron variant. On other transcripts: splice donor variant (1).
Genome position (GRCh38, 1-based): chr7:74,060,601, G>C. VCF-style: chr7-74060601-G-C. GRCh37 (hg19) VCF-style: chr7-73474931-G-C.
Other names: c.1762+100G>C (NM_001081754.3); c.1705+100G>C (NM_001081753.3); c.1933+1G>C (NM_001278939.2); c.1765+100G>C (NM_001278915.2); c.1747+100G>C (NM_001278912.2); c.1690+100G>C (NM_001081755.3); c.1603+100G>C (NM_001278916.2); c.1504+100G>C (NM_001278913.2); and 4 more.
Identifiers: ClinVar variation 1995066 (VCV001995066.4), dbSNP rs565632539, ClinGen allele CA367887554.
Genomic context (GRCh38, chr7:74,060,601, plus strand): 5'-TCAGGGAAGGAGATCCCTCCTCCTCTCAGCACCTCCCCAGCACCCCCTCATCACCCAGGG[G>C]TGCATAGTAAAATCCTTGTTAGGTTCTCCTAAGCATCTGGGGGTAACAGATAGCGGGAGG-3'